The following is an entry in ClinVar:

NM_006060.6(IKZF1):c.1544G>A (p.Arg515His)

Gene: IKZF1 (IKAROS family zinc finger 1; plus strand). Cytogenetic location: 7p12.2.
Variant type: single nucleotide variant.
Coding change: c.1544G>A on transcript NM_006060.6 (MANE Select); coding-DNA position 1544, G replaced by A.
Protein change: p.Arg515His; replaces arginine 515 with histidine.
Molecular consequence: missense variant.
Genome position (GRCh38, 1-based): chr7:50,400,611, G>A. VCF-style: chr7-50400611-G-A. GRCh37 (hg19) VCF-style: chr7-50468309-G-A.
Other names: c.1418G>A, p.Arg473His (NM_001220765.3, NM_001291837.2); c.1253G>A, p.Arg418His (NM_001220767.2); c.1283G>A, p.Arg428His (NM_001220768.2, NM_001291838.2); c.1127G>A, p.Arg376His (NM_001220770.2); c.1115G>A, p.Arg372His (NM_001220771.2, NM_001291841.1); c.1157G>A, p.Arg386His (NM_001291839.2); c.854G>A, p.Arg285His (NM_001291840.1); c.1085G>A, p.Arg362His (NM_001291842.1); and 3 more; short protein forms R376H, R418H, R428H, R320H, R330H, R362H, R372H, R515H.
Identifiers: ClinVar variation 3687523 (VCV003687523.2).

ClinVar aggregate classification (germline): Uncertain significance (1 of 4 stars; one submission).

Submission:

Labcorp Genetics (formerly Invitae), Labcorp
Classification: Uncertain significance. Last evaluated: 2024-09-04. Review status: criteria provided, single submitter. Criteria: Invitae Variant Classification Sherloc (09022015). Collection method: clinical testing. Allele origin: germline.
Comment: This sequence change replaces arginine, which is basic and polar, with histidine, which is basic and polar, at codon 515 of the IKZF1 protein (p.Arg515His). This variant is not present in population databases (gnomAD no frequency). This variant has not been reported in the literature in individuals affected with IKZF1-related conditions. An algorithm developed to predict the effect of missense changes on protein structure and function outputs the following: PolyPhen-2: "Benign". The histidine amino acid residue is found in multiple mammalian species, which suggests that this missense change does not adversely affect protein function. In summary, the available evidence is currently insufficient to determine the role of this variant in disease. Therefore, it has been classified as a Variant of Uncertain Significance.